The following is an entry in ClinVar:

ClinVar aggregate classification (germline): Likely benign. Review status: criteria provided, multiple submitters, no conflicts (2 of 4 stars). 2 submissions from 2 submitters: Likely benign (2). Last evaluated 2024-02-01.

Allele frequency attached by ClinVar (database versions not stated): gnomAD exomes below 0.00001; ExAC 0.00001; gnomAD 0.00001.
gnomAD v4.1: 5 of 1,611,200 alleles (0.00031%); highest among the groups gnomAD compares: Non-Finnish European, 0.00042%; no homozygotes.

Submissions (2):

CeGaT Center for Human Genetics Tuebingen
Classification: Likely benign. Last evaluated: 2024-02-01. Review status: criteria provided, single submitter. Criteria: CeGaT Center For Human Genetics Tuebingen Variant Classification Criteria Version 2. Collection method: clinical testing. Allele origin: germline. Affected: yes. Observed: 1 variant allele.
Comment: CLTC: BP4, BP7

Labcorp Genetics (formerly Invitae), Labcorp
Classification: Likely benign. Last evaluated: 2022-10-07. Review status: criteria provided, single submitter. Criteria: Invitae Variant Classification Sherloc (09022015). Collection method: clinical testing. Allele origin: germline.

NM_004859.4(CLTC):c.1671T>C (p.Asn557=)

Gene: CLTC (clathrin heavy chain; plus strand). Cytogenetic location: 17q23.1.
Variant type: single nucleotide variant.
Coding change: c.1671T>C on transcript NM_004859.4 (MANE Select); coding-DNA position 1671, T replaced by C.
Protein change: p.Asn557=; no amino-acid change (asparagine 557 retained).
Molecular consequence: synonymous variant.
Genome position (GRCh38, 1-based): chr17:59,666,129, T>C. VCF-style: chr17-59666129-T-C. GRCh37 (hg19) VCF-style: chr17-57743490-T-C.
Other names: c.1683T>C, p.Asn561= (NM_001288653.2).
Identifiers: ClinVar variation 2034566 (VCV002034566.26), dbSNP rs747787330, ClinGen allele CA8681271.